The following is an entry in ClinVar:

ClinVar aggregate classification (germline): Uncertain significance (1 of 4 stars; one submission).

Conditions:
Treacher Collins syndrome 1 (TCS1). Also called: TCOF1-Related Treacher Collins Syndrome. Identifiers: Orphanet 861, MedGen CN315775, MONDO:0007944, OMIM 154500.

Allele frequency attached by ClinVar (database versions not stated): TOPMed 0.00001.

Submission:

Labcorp Genetics (formerly Invitae), Labcorp
Classification: Uncertain significance for Treacher Collins syndrome 1. Last evaluated: 2024-10-16. Review status: criteria provided, single submitter. Criteria: Invitae Variant Classification Sherloc (09022015). Collection method: clinical testing. Allele origin: germline.
Comment: This sequence change replaces arginine, which is basic and polar, with tryptophan, which is neutral and slightly polar, at codon 61 of the TCOF1 protein (p.Arg61Trp). This variant is not present in population databases (gnomAD no frequency). This variant has not been reported in the literature in individuals affected with TCOF1-related conditions. ClinVar contains an entry for this variant (Variation ID: 2174902). Invitae Evidence Modeling of protein sequence and biophysical properties (such as structural, functional, and spatial information, amino acid conservation, physicochemical variation, residue mobility, and thermodynamic stability) indicates that this missense variant is not expected to disrupt TCOF1 protein function with a negative predictive value of 80%. In summary, the available evidence is currently insufficient to determine the role of this variant in disease. Therefore, it has been classified as a Variant of Uncertain Significance.

NM_001371623.1(TCOF1):c.181C>T (p.Arg61Trp)

Gene: TCOF1 (treacle ribosome biogenesis factor 1; plus strand). Cytogenetic location: 5q32.
Variant type: single nucleotide variant.
Coding change: c.181C>T on transcript NM_001371623.1 (MANE Select); coding-DNA position 181, C replaced by T.
Protein change: p.Arg61Trp; replaces arginine 61 with tryptophan.
Molecular consequence: missense variant.
Genome position (GRCh38, 1-based): chr5:150,364,129, C>T. VCF-style: chr5-150364129-C-T. GRCh37 (hg19) VCF-style: chr5-149743692-C-T.
Other names: c.181C>T, p.Arg61Trp (NM_000356.4, NM_001008657.3, NM_001135243.2 and 3 more transcripts); short protein forms R61W.
Identifiers: ClinVar variation 2174902 (VCV002174902.4), dbSNP rs1760765864, ClinGen allele CA361730448.
Genomic context (GRCh38, chr5:150,364,129, plus strand): 5'-GTTCTGTCACCCAGTTGGTATAGACAGTCACCCTTGTCCTGCAGAACCTCAGAGCTTGGT[C>T]GGAAGCGGAAGGCAGAGGAAGATGCGGCACTGCAAGCTAAGAAAACCCGTGTGTCAGACC-3'
Protein context (NP_001358552.1, residues 51-71): THWQQTSELG[Arg61Trp]KRKAEEDAAL